The following is an entry in ClinVar:

ClinVar aggregate classification (germline): Uncertain significance (1 of 4 stars; one submission).

Conditions:
Joubert syndrome. Also called: CEREBELLOPARENCHYMAL DISORDER IV; JOUBERT-BOLTSHAUSER SYNDROME; Familial aplasia of the vermis. Identifiers: Orphanet 475, MedGen C5979921, MONDO:0018772.
Meckel-Gruber syndrome. Also called: DYSENCEPHALIA SPLANCHNOCYSTICA; GRUBER SYNDROME; Dysencephalia splachnocystica. Identifiers: Orphanet 564, MedGen C0265215, MONDO:0018921.

Submission:

Labcorp Genetics (formerly Invitae), Labcorp
Classification: Uncertain significance for Joubert syndrome; Meckel-Gruber syndrome. Last evaluated: 2022-10-24. Review status: criteria provided, single submitter. Criteria: Invitae Variant Classification Sherloc (09022015). Collection method: clinical testing. Allele origin: germline.
Comment: In summary, the available evidence is currently insufficient to determine the role of this variant in disease. Therefore, it has been classified as a Variant of Uncertain Significance. This sequence change replaces tyrosine, which is neutral and polar, with histidine, which is basic and polar, at codon 398 of the MKS1 protein (p.Tyr398His). This variant is not present in population databases (gnomAD no frequency). This variant has not been reported in the literature in individuals affected with MKS1-related conditions. ClinVar contains an entry for this variant (Variation ID: 1428552). Advanced modeling of protein sequence and biophysical properties (such as structural, functional, and spatial information, amino acid conservation, physicochemical variation, residue mobility, and thermodynamic stability) performed at Invitae indicates that this missense variant is expected to disrupt MKS1 protein function.

NM_017777.4(MKS1):c.1192T>C (p.Tyr398His)

Gene: MKS1 (MKS transition zone complex subunit 1; minus strand). Cytogenetic location: 17q22.
Variant type: single nucleotide variant.
Coding change: c.1192T>C on transcript NM_017777.4 (MANE Select); coding-DNA position 1192, T replaced by C.
Protein change: p.Tyr398His; replaces tyrosine 398 with histidine.
Molecular consequence: missense variant.
Genome position (GRCh38, 1-based): chr17:58,207,975, A>G on the plus strand (T>C on the coding strand, the complement: MKS1 is on the minus strand). VCF-style: chr17-58207975-A-G. GRCh37 (hg19) VCF-style: chr17-56285336-A-G.
Other names: c.583T>C, p.Tyr195His (NM_001321268.2); c.1192T>C, p.Tyr398His (NM_001321269.2, NM_001330397.2); short protein forms Y195H, Y398H.
Identifiers: ClinVar variation 1428552 (VCV001428552.11), dbSNP rs1968629952, ClinGen allele CA400325545.
Genomic context (GRCh38, chr17:58,207,975, plus strand): 5'-CAGCCCCATAGCCTTCCACACGGTACCTCTGCCAGAAGTCCAGCGAGAGGACCTCACAGT[A>G]GAGCACAGGCCACTCCGGGAGTGCATCTGGGAGCAAGGAGAGAAGCGGCCAGGTCACAGG-3'
Protein context (NP_060247.2, residues 388-408): SDALPEWPVL[Tyr398His]CEVLSLDFWQ